The following is an entry in ClinVar:

NM_001164508.2(NEB):c.2485C>G (p.Leu829Val)

Gene: NEB (nebulin; minus strand). Cytogenetic location: 2q23.3.
Variant type: single nucleotide variant.
Coding change: c.2485C>G on transcript NM_001164508.2 (MANE Select); coding-DNA position 2485, C replaced by G.
Protein change: p.Leu829Val; replaces leucine 829 with valine.
Molecular consequence: missense variant.
Genome position (GRCh38, 1-based): chr2:151,687,664, G>C on the plus strand (C>G on the coding strand, the complement: NEB is on the minus strand). VCF-style: chr2-151687664-G-C. GRCh37 (hg19) VCF-style: chr2-152544178-G-C.
Other names: c.2485C>G, p.Leu829Val (NM_001164507.2, NM_001271208.2, NM_004543.5); short protein forms L829V.
Identifiers: ClinVar variation 841949 (VCV000841949.12), dbSNP rs2099513616, ClinGen allele CA348822872.

ClinVar aggregate classification (germline): Uncertain significance. Review status: criteria provided, multiple submitters, no conflicts (2 of 4 stars). 2 submissions from 2 submitters: Uncertain significance (2). Last evaluated 2022-08-22.

Conditions:
Nemaline myopathy 2 (NEM2). Also called: Nemaline myopathy 2, autosomal recessive. Identifiers: MedGen C1850569, MONDO:0009725, OMIM 256030.

Submissions (2):

Labcorp Genetics (formerly Invitae), Labcorp
Classification: Uncertain significance for Nemaline myopathy 2. Last evaluated: 2022-08-22. Review status: criteria provided, single submitter. Criteria: Invitae Variant Classification Sherloc (09022015). Collection method: clinical testing. Allele origin: germline.
Comment: This sequence change replaces leucine, which is neutral and non-polar, with valine, which is neutral and non-polar, at codon 829 of the NEB protein (p.Leu829Val). This variant is not present in population databases (gnomAD no frequency). This variant has not been reported in the literature in individuals affected with NEB-related conditions. ClinVar contains an entry for this variant (Variation ID: 841949). Algorithms developed to predict the effect of missense changes on protein structure and function are either unavailable or do not agree on the potential impact of this missense change (SIFT: "Deleterious"; PolyPhen-2: "Not Available"; Align-GVGD: "Class C0"). In summary, the available evidence is currently insufficient to determine the role of this variant in disease. Therefore, it has been classified as a Variant of Uncertain Significance.

Revvity Omics, Revvity
Classification: Uncertain significance. Last evaluated: 2022-08-17. Review status: criteria provided, single submitter. Criteria: ACMG Guidelines, 2015. Collection method: clinical testing. Allele origin: germline.